The following is an entry in ClinVar:

ClinVar aggregate classification (germline): Pathogenic/Likely pathogenic. Review status: criteria provided, multiple submitters, no conflicts (2 of 4 stars). 4 submissions from 4 submitters: Pathogenic (2); Likely pathogenic (1). 1 of the submissions does not count toward it. Last evaluated 2023-10-16.

Conditions:
Cohen syndrome (COH1). Also called: Cutis verticis gyrata, retinitis pigmentosa, and sensorineural deafness; PEPPER SYNDROME. Identifiers: Orphanet 193, MedGen C0265223, MONDO:0008999, OMIM 216550.
Abnormality of the eye. Identifiers: MedGen C4316870, HP:0000478.

Allele frequency attached by ClinVar (database versions not stated): TOPMed below 0.00001; ExAC 0.00001; gnomAD 0.00001; gnomAD exomes 0.00001; ESP Exome Variant Server 0.00008.
gnomAD v4.1: 18 of 1,614,006 alleles (0.0011%); highest among the groups gnomAD compares: Non-Finnish European, 0.0015%; no homozygotes.

Submissions (4):

Labcorp Genetics (formerly Invitae), Labcorp
Classification: Pathogenic for Cohen syndrome. Last evaluated: 2023-10-16. Review status: criteria provided, single submitter. Criteria: Invitae Variant Classification Sherloc (09022015). Collection method: clinical testing. Allele origin: germline.
Comment: This sequence change creates a premature translational stop signal (p.Ser864*) in the VPS13B gene. It is expected to result in an absent or disrupted protein product. Loss-of-function variants in VPS13B are known to be pathogenic (PMID: 15141358, 16648375, 20461111). This variant is not present in population databases (gnomAD no frequency). This premature translational stop signal has been observed in individual(s) with VPS13B-related conditions (PMID: 28041643). ClinVar contains an entry for this variant (Variation ID: 95840). For these reasons, this variant has been classified as Pathogenic.

Institute of Human Genetics, University of Leipzig Medical Center
Classification: Likely pathogenic for Cohen syndrome. Last evaluated: 2023-10-12. Review status: criteria provided, single submitter. Criteria: ACMG Guidelines, 2015. Collection method: clinical testing. Allele origin: unknown. Inheritance: Autosomal recessive inheritance. Affected: yes.
Comment: Criteria applied: PVS1,PM2_SUP

Eurofins Ntd Llc (ga)
Classification: Pathogenic. Last evaluated: 2012-11-14. Review status: criteria provided, single submitter. Criteria: EGL Classification Definitions. Collection method: clinical testing. Allele origin: germline. Observed: 2 variant alleles, 2 heterozygotes.

NIHR Bioresource Rare Diseases, University of Cambridge
Classification: Uncertain significance for Disorder of eye. Last evaluated: 2015-01-01. Review status: no assertion criteria provided. Collection method: research. Allele origin: unknown. Affected: yes. Observed: 1 variant allele. Not counted in ClinVar's aggregate classification.

Literature cited by the submitters: PubMed 15141358 (cited by Labcorp Genetics (formerly Invitae), Labcorp); PubMed 16648375 (cited by Labcorp Genetics (formerly Invitae), Labcorp); PubMed 20461111 (cited by Labcorp Genetics (formerly Invitae), Labcorp); PubMed 28041643 (cited by Labcorp Genetics (formerly Invitae), Labcorp and NIHR Bioresource Rare Diseases, University of Cambridge).

NM_152564.5(VPS13B):c.2591C>A (p.Ser864Ter)

Gene: VPS13B (vacuolar protein sorting 13 homolog B; plus strand). Cytogenetic location: 8q22.2.
Variant type: single nucleotide variant.
Coding change: c.2591C>A on transcript NM_152564.5 (MANE Select); coding-DNA position 2591, C replaced by A.
Protein change: p.Ser864Ter; replaces serine 864 with a stop codon.
Molecular consequence: nonsense.
Genome position (GRCh38, 1-based): chr8:99,274,273, C>A. VCF-style: chr8-99274273-C-A. GRCh37 (hg19) VCF-style: chr8-100286501-C-A.
Other names: c.2591C>A, p.Ser864Ter (NM_017890.5); short protein forms S864*.
Identifiers: ClinVar variation 95840 (VCV000095840.10), dbSNP rs140936527, ClinGen allele CA223406.
Genomic context (GRCh38, chr8:99,274,273, plus strand): 5'-ATCCCCTGCCAACTCTTGAGGGCTCAATCCAGAATGTTGAATTGAAGTACTGCAGCACAT[C>A]ATTGGTCAAATGTGCCTCTGGGACCATGGGATCAATAAAAATTTGTGCCAAAGCCCCAGG-3'